The following is an entry in ClinVar:

NM_001267550.2(TTN):c.50023C>A (p.Pro16675Thr)

Genes: TTN (titin; minus strand), TTN-AS1 (TTN antisense RNA 1; plus strand). Cytogenetic location: 2q31.2.
Variant type: single nucleotide variant.
Coding change: c.50023C>A on transcript NM_001267550.2 (MANE Select); coding-DNA position 50023, C replaced by A.
Protein change: p.Pro16675Thr; replaces proline 16675 with threonine.
Molecular consequence: missense variant.
Genome position (GRCh38, 1-based): chr2:178,612,502, G>T on the plus strand (C>A on the coding strand, the complement: TTN is on the minus strand). VCF-style: chr2-178612502-G-T. GRCh37 (hg19) VCF-style: chr2-179477229-G-T.
Other names: c.45100C>A, p.Pro15034Thr (NM_001256850.1); c.22828C>A, p.Pro7610Thr (NM_003319.4); c.42319C>A, p.Pro14107Thr (NM_133378.4); c.23203C>A, p.Pro7735Thr (NM_133432.3); c.23404C>A, p.Pro7802Thr (NM_133437.4); short protein forms P15034T, P16675T, P7610T, P7735T, P14107T, P7802T.
Identifiers: ClinVar variation 1788954 (VCV001788954.2), dbSNP rs2470543282, ClinGen allele CA349599738.
Genomic context (GRCh38, chr2:178,612,502, plus strand): 5'-GCCTGACGTCTCTCTTTTCCACAATGTAGTTGGTGATGGGGGACCCTCCATCTTTCTCAG[G>T]AACTGTCCATTTTAGGTCTGCTGTATTTTTTGTGATATTAATAACTTCAAGCCAGCGTGG-3'
Protein context (NP_001254479.2, residues 16665-16685): KNTADLKWTV[Pro16675Thr]EKDGGSPITN

ClinVar aggregate classification (germline): Uncertain significance (1 of 4 stars; one submission).

Conditions:
Cardiovascular phenotype. Identifiers: MedGen CN230736.

Submission:

Ambry Genetics
Classification: Uncertain significance for Cardiovascular phenotype. Last evaluated: 2020-02-14. Review status: criteria provided, single submitter. Criteria: Ambry Variant Classification Scheme 2023. Collection method: clinical testing. Allele origin: germline.
Comment: The p.P7610T variant (also known as c.22828C>A), located in coding exon 93 of the TTN gene, results from a C to A substitution at nucleotide position 22828. The proline at codon 7610 is replaced by threonine, an amino acid with highly similar properties. This amino acid position is highly conserved in available vertebrate species. In addition, the in silico prediction for this alteration is inconclusive. Since supporting evidence is limited at this time, the clinical significance of this alteration remains unclear.